The following is an entry in ClinVar:

ClinVar aggregate classification (germline): Uncertain significance (1 of 4 stars; one submission).

Submission:

Ambry Genetics
Classification: Uncertain significance. Last evaluated: 2023-03-11. Review status: criteria provided, single submitter. Criteria: Ambry Variant Classification Scheme 2023. Collection method: clinical testing. Allele origin: germline.
Comment: The p.S17P variant (also known as c.49T>C), located in coding exon 1 of the TERF2IP gene, results from a T to C substitution at nucleotide position 49. The serine at codon 17 is replaced by proline, an amino acid with similar properties. This amino acid position is conserved. In addition, this alteration is predicted to be tolerated by in silico analysis. Since supporting evidence is limited at this time, the clinical significance of this alteration remains unclear.

NM_018975.4(TERF2IP):c.49T>C (p.Ser17Pro)

Gene: TERF2IP (TERF2 interacting protein; plus strand). Cytogenetic location: 16q23.1.
Variant type: single nucleotide variant.
Coding change: c.49T>C on transcript NM_018975.4 (MANE Select); coding-DNA position 49, T replaced by C.
Protein change: p.Ser17Pro; replaces serine 17 with proline.
Molecular consequence: missense variant. On other transcripts: non-coding transcript variant (1).
Genome position (GRCh38, 1-based): chr16:75,647,931, T>C. VCF-style: chr16-75647931-T-C. GRCh37 (hg19) VCF-style: chr16-75681829-T-C.
Other names: short protein forms S17P.
Identifiers: ClinVar variation 2448552 (VCV002448552.2), dbSNP rs2507072247, ClinGen allele CA396817120.